The following is an entry in ClinVar:

ClinVar aggregate classification (germline): Uncertain significance (0 of 4 stars; one submission).

Conditions:
CALR3-related disorder. Also called: CALR3-related condition.

Submission:

PreventionGenetics, part of Exact Sciences
Classification: Uncertain significance for CALR3-related condition. Last evaluated: 2024-05-14. Review status: no assertion criteria provided. Collection method: clinical testing. Allele origin: germline.
Comment: The CALR3 c.124A>G variant is predicted to result in the amino acid substitution p.Asn42Asp. To our knowledge, this variant has not been reported in the literature or in a large population database, indicating this variant is rare. At this time, the clinical significance of this variant is uncertain due to the absence of conclusive functional and genetic evidence.

NM_145046.5(CALR3):c.124A>G (p.Asn42Asp)

Gene: CALR3 (calreticulin 3; minus strand). Cytogenetic location: 19p13.11.
Variant type: single nucleotide variant.
Coding change: c.124A>G on transcript NM_145046.5 (MANE Select); coding-DNA position 124, A replaced by G.
Protein change: p.Asn42Asp; replaces asparagine 42 with aspartic acid.
Molecular consequence: missense variant.
Genome position (GRCh38, 1-based): chr19:16,495,820, T>C on the plus strand (A>G on the coding strand, the complement: CALR3 is on the minus strand). VCF-style: chr19-16495820-T-C. GRCh37 (hg19) VCF-style: chr19-16606631-T-C.
Other names: short protein forms N42D.
Identifiers: ClinVar variation 3347238 (VCV003347238.1).